The following is an entry in ClinVar:

ClinVar aggregate classification (germline): Likely pathogenic (1 of 4 stars; one submission).

Submission:

Dasa
Classification: Likely pathogenic. Last evaluated: 2025-06-09. Review status: criteria provided, single submitter. Criteria: DASA Assertion Criteria. Collection method: clinical testing. Allele origin: germline.
Comment: NM_025074.7(FRAS1):c.982del (p.Asp328Metfs*4) is a frameshift variant in FRAS1 predicted to alter the reading frame and introduce a premature termination codon and is predicted to result in an absent or altered protein product. Loss of function is an established disease mechanism for FRAS1-associated disorders. Also, this variant is absent from population databases. Based on the currently available evidence, this variant is classified as likely pathogenic.

NM_025074.7(FRAS1):c.982del

Gene: FRAS1 (Fraser extracellular matrix complex subunit 1; plus strand). Cytogenetic location: 4q21.21.
Variant type: Deletion.
Coding change: c.982del on transcript NM_025074.7 (MANE Select); coding-DNA position 982, one base deleted (G; older notation c.982delG).
Molecular consequence: splice acceptor variant.
Genome position (GRCh38, 1-based): chr4:78,278,655, G deleted; the last of 2 consecutive G bases (chr4:78,278,654-78,278,655); deleting either gives the same sequence. VCF-style (leftmost placement, unchanged base first): chr4-78278653-AG-A. GRCh37 (hg19) VCF-style: chr4-79199807-AG-A.
Identifiers: ClinVar variation 4886426 (VCV004886426.2).